The following is an entry in ClinVar:

ClinVar aggregate classification (germline): Likely benign. Review status: criteria provided, multiple submitters, no conflicts (2 of 4 stars). 4 submissions from 4 submitters: Likely benign (3). 1 of the submissions does not count toward it. Last evaluated 2025-11-12.

Conditions:
Cardiovascular phenotype. Identifiers: MedGen CN230736.
Dystrophin deficiency.
Cardiomyopathy (CMYO). Also called: Cardiomyopathies. Identifiers: Orphanet 167848, MedGen C0878544, MONDO:0004994, HP:0001638. Inheritance: Various modes of inheritance.
Becker muscular dystrophy (BMD). Also called: Becker Muscular Dystrophy (BMD); MUSCULAR DYSTROPHY, PSEUDOHYPERTROPHIC PROGRESSIVE, BECKER TYPE. Identifiers: Orphanet 98895, MedGen C0917713, MONDO:0010311, OMIM 300376.
Duchenne muscular dystrophy (DMD). Also called: Duchenne Muscular Dystrophy (DMD); MUSCULAR DYSTROPHY, PSEUDOHYPERTROPHIC PROGRESSIVE, DUCHENNE TYPE. Identifiers: Orphanet 98896, MedGen C0013264, MONDO:0010679, OMIM 310200.

Allele frequency attached by ClinVar (database versions not stated): TOPMed 0.00001; gnomAD 0.00002 and 0.00003; gnomAD exomes 0.00006; ExAC 0.00008.
gnomAD v4.1: 50 of 1,207,753 alleles (0.0041%); highest among the groups gnomAD compares: Non-Finnish European, 0.0055%; no homozygotes.

Submissions (4):

Labcorp Genetics (formerly Invitae), Labcorp
Classification: Likely benign for Duchenne muscular dystrophy. Last evaluated: 2025-11-12. Review status: criteria provided, single submitter. Criteria: Invitae Variant Classification Sherloc (09022015). Collection method: clinical testing. Allele origin: germline.

Mayo Clinic Laboratories, Mayo Clinic
Classification: Likely benign. Last evaluated: 2025-06-24. Review status: criteria provided, single submitter. Criteria: ACMG Guidelines, 2015. Collection method: clinical testing. Allele origin: germline. Observed: 1 variant allele.
Comment: BS2, BP4_moderate

Ambry Genetics
Classification: Likely benign for Cardiovascular phenotype. Last evaluated: 2024-09-24. Review status: criteria provided, single submitter. Criteria: Ambry Variant Classification Scheme 2023. Collection method: clinical testing. Allele origin: germline.

Natera, Inc.
Classification: Uncertain significance for Becker muscular dystrophy; Cardiomyopathy; Duchenne muscular dystrophy; Dystrophin deficiency. Last evaluated: 2019-07-11. Review status: no assertion criteria provided. Collection method: clinical testing. Allele origin: germline. Not counted in ClinVar's aggregate classification.

NM_004006.3(DMD):c.6058G>C (p.Ala2020Pro)

Gene: DMD (dystrophin; minus strand). Cytogenetic location: Xp21.1.
Variant type: single nucleotide variant.
Coding change: c.6058G>C on transcript NM_004006.3 (MANE Select); coding-DNA position 6058, G replaced by C.
Protein change: p.Ala2020Pro; replaces alanine 2020 with proline.
Molecular consequence: missense variant.
Genome position (GRCh38, 1-based): chrX:32,310,141, C>G on the plus strand (G>C on the coding strand, the complement: DMD is on the minus strand). VCF-style: chrX-32310141-C-G. GRCh37 (hg19) VCF-style: chrX-32328258-C-G.
Other names: p.Ala2020Pro; c.6034G>C, p.Ala2012Pro (NM_000109.4); c.6046G>C, p.Ala2016Pro (NM_004009.3); c.5689G>C, p.Ala1897Pro (NM_004010.3); c.2035G>C, p.Ala679Pro (NM_004011.4); c.2026G>C, p.Ala676Pro (NM_004012.4); short protein forms A2020P, A2016P, A2012P, A1897P, A679P, A676P.
Identifiers: ClinVar variation 526101 (VCV000526101.13), dbSNP rs765460659, ClinGen allele CA10378550.